The following is an entry in ClinVar:

NM_000052.7(ATP7A):c.2565A>G (p.Lys855=)

Gene: ATP7A (ATPase copper transporting alpha; plus strand). Cytogenetic location: Xq21.1.
Variant type: single nucleotide variant.
Coding change: c.2565A>G on transcript NM_000052.7 (MANE Select); coding-DNA position 2565, A replaced by G.
Protein change: p.Lys855=; no amino-acid change (lysine 855 retained).
Molecular consequence: synonymous variant.
Genome position (GRCh38, 1-based): chrX:78,015,820, A>G. VCF-style: chrX-78015820-A-G. GRCh37 (hg19) VCF-style: chrX-77271317-A-G.
Other names: c.2331A>G, p.Lys777= (NM_001282224.2).
Identifiers: ClinVar variation 1108812 (VCV001108812.27), dbSNP rs1557235088, ClinGen allele CA517061503.

ClinVar aggregate classification (germline): Likely benign. Review status: criteria provided, multiple submitters, no conflicts (2 of 4 stars). 2 submissions from 2 submitters: Likely benign (2). Last evaluated 2024-06-01.

Conditions:
Cutis laxa, X-linked (OHS). Also called: EDS IX; Occipital horn syndrome. Identifiers: Orphanet 198, MedGen C0268353, MONDO:0010572, OMIM 304150.
Menkes kinky-hair syndrome (MNK). Also called: Classic Menkes Disease; Menkes Disease; Copper transport disease. Identifiers: Orphanet 565, MedGen C0022716, MONDO:0010651, OMIM 309400.
X-linked distal spinal muscular atrophy type 3. Also called: NEURONOPATHY, DISTAL HEREDITARY MOTOR, X-LINKED; NEUROPATHY, DISTAL HEREDITARY MOTOR, X-LINKED; SPINAL MUSCULAR ATROPHY, DISTAL, X-LINKED RECESSIVE; ATP7A-Related Distal Motor Neuropathy. Identifiers: Orphanet 139557, MedGen C1845359, MONDO:0010338, OMIM 300489.

Allele frequency attached by ClinVar (database versions not stated): gnomAD exomes below 0.00001 and 0.00001.
gnomAD v4.1: 2 of 1,211,484 alleles (0.00017%); highest among the groups gnomAD compares: Non-Finnish European, 0.00022%; no homozygotes.

Submissions (2):

CeGaT Center for Human Genetics Tuebingen
Classification: Likely benign. Last evaluated: 2024-06-01. Review status: criteria provided, single submitter. Criteria: CeGaT Center For Human Genetics Tuebingen Variant Classification Criteria Version 2. Collection method: clinical testing. Allele origin: germline. Affected: yes. Observed: 1 variant allele.
Comment: ATP7A: BP4

Labcorp Genetics (formerly Invitae), Labcorp
Classification: Likely benign for X-linked distal spinal muscular atrophy type 3; Cutis laxa, X-linked; Menkes kinky-hair syndrome. Last evaluated: 2022-10-31. Review status: criteria provided, single submitter. Criteria: Invitae Variant Classification Sherloc (09022015). Collection method: clinical testing. Allele origin: germline.